The following is an entry in ClinVar:

ClinVar aggregate classification (germline): Uncertain significance (1 of 4 stars; one submission).

Conditions:
Epidermolysis bullosa simplex with nail dystrophy (EBS5D). Identifiers: MedGen C4225309, MONDO:0014661, OMIM 616487.
Epidermolysis bullosa simplex, Ogna type (EBS5A). Also called: EPIDERMOLYSIS BULLOSA SIMPLEX 5A, OGNA TYPE; Pidermolysis bullosa simplex 5A, Ogna type. Identifiers: Orphanet 79401, MedGen C0432317, MONDO:0007555, OMIM 131950.
Autosomal recessive limb-girdle muscular dystrophy type 2Q (LGMDR17). Also called: MUSCULAR DYSTROPHY, LIMB-GIRDLE, AUTOSOMAL RECESSIVE 17. Identifiers: Orphanet 254361, MedGen C3150989, MONDO:0013390, OMIM 613723.
Epidermolysis bullosa simplex 5B, with muscular dystrophy (EBS5B). Also called: EPIDERMOLYSIS BULLOSA SIMPLEX AND LIMB-GIRDLE MUSCULAR DYSTROPHY; Epidermolysis bullosa simplex with muscular dystrophy. Identifiers: Orphanet 257, MedGen C2931072, MONDO:0009181, OMIM 226670.
Epidermolysis bullosa simplex 5C, with pyloric atresia (EBS5C). Also called: PLEC-Related Epidermolysis Bullosa with Pyloric Atresia; Epidermolysis bullosa simplex with pyloric atresia; PLEC1-Related Epidermolysis Bullosa with Pyloric Atresia. Identifiers: Orphanet 158684, MedGen C2677349, MONDO:0012807, OMIM 612138.

gnomAD v4.1: 4 of 1,609,750 alleles (0.00025%); highest among the groups gnomAD compares: East Asian, 0.0089%; no homozygotes.

Submission:

Labcorp Genetics (formerly Invitae), Labcorp
Classification: Uncertain significance for Autosomal recessive limb-girdle muscular dystrophy type 2Q; Epidermolysis bullosa simplex, Ogna type; Epidermolysis bullosa simplex with nail dystrophy; Epidermolysis bullosa simplex 5C, with pyloric atresia; Epidermolysis bullosa simplex 5B, with muscular dystrophy. Last evaluated: 2025-03-21. Review status: criteria provided, single submitter. Criteria: Invitae Variant Classification Sherloc (09022015). Collection method: clinical testing. Allele origin: germline.
Comment: This sequence change replaces proline, which is neutral and non-polar, with glutamine, which is neutral and polar, at codon 4430 of the PLEC protein (p.Pro4430Gln). This variant is present in population databases (rs781860439, gnomAD 0.01%). This variant has not been reported in the literature in individuals affected with PLEC-related conditions. Invitae Evidence Modeling of protein sequence and biophysical properties (such as structural, functional, and spatial information, amino acid conservation, physicochemical variation, residue mobility, and thermodynamic stability) indicates that this missense variant is not expected to disrupt PLEC protein function with a negative predictive value of 80%. In summary, the available evidence is currently insufficient to determine the role of this variant in disease. Therefore, it has been classified as a Variant of Uncertain Significance.

NM_201384.3(PLEC):c.13208C>A (p.Pro4403Gln)

Gene: PLEC (plectin; minus strand). Cytogenetic location: 8q24.3.
Variant type: single nucleotide variant.
Coding change: c.13208C>A on transcript NM_201384.3 (MANE Select); coding-DNA position 13208, C replaced by A.
Protein change: p.Pro4403Gln; replaces proline 4403 with glutamine.
Molecular consequence: missense variant.
Genome position (GRCh38, 1-based): chr8:143,916,613, G>T on the plus strand (C>A on the coding strand, the complement: PLEC is on the minus strand). VCF-style: chr8-143916613-G-T. GRCh37 (hg19) VCF-style: chr8-144990781-G-T.
Other names: c.9908C>A, p.Pro3303Gln (NM_001410941.1); c.13166C>A, p.Pro4389Gln (NM_201378.4); c.13142C>A, p.Pro4381Gln (NM_201379.3); c.13619C>A, p.Pro4540Gln (NM_201380.4); c.13112C>A, p.Pro4371Gln (NM_201381.3); c.13208C>A, p.Pro4403Gln (NM_201382.4); c.13220C>A, p.Pro4407Gln (NM_201383.3); c.13289C>A, p.Pro4430Gln (NM_000445.5); short protein forms P3303Q, P4371Q, P4389Q, P4407Q, P4430Q, P4540Q, P4381Q, P4403Q.
Identifiers: ClinVar variation 4788676 (VCV004788676.1).